The following is an entry in ClinVar:

NM_032638.5(GATA2):c.653C>A (p.Thr218Lys)

Gene: GATA2 (GATA binding protein 2; minus strand). Cytogenetic location: 3q21.3.
Variant type: single nucleotide variant.
Coding change: c.653C>A on transcript NM_032638.5 (MANE Select); coding-DNA position 653, C replaced by A.
Protein change: p.Thr218Lys; replaces threonine 218 with lysine.
Molecular consequence: missense variant.
Genome position (GRCh38, 1-based): chr3:128,485,945, G>T on the plus strand (C>A on the coding strand, the complement: GATA2 is on the minus strand). VCF-style: chr3-128485945-G-T. GRCh37 (hg19) VCF-style: chr3-128204788-G-T.
Other names: c.653C>A, p.Thr218Lys (NM_001145661.2, NM_001145662.1); short protein forms T218K.
Identifiers: ClinVar variation 2005356 (VCV002005356.4), dbSNP rs2068690379, ClinGen allele CA354406328.

ClinVar aggregate classification (germline): Uncertain significance (1 of 4 stars; one submission).

Conditions:
Monocytopenia with susceptibility to infections. Also called: Dendritic cell, monocyte, B lymphocyte, and natural killer lymphocyte deficiency; MONOCYTOPENIA AND MYCOBACTERIAL INFECTION SYNDROME; MONOCYTOPENIA WITH SUSCEPTIBILITY TO MYCOBACTERIAL, FUNGAL, AND PAPILLOMAVIRUS INFECTIONS AND MYELODYSPLASIA; COMBINED IMMUNODEFICIENCY WITH SUSCEPTIBILITY TO MYCOBACTERIAL, VIRAL, AND FUNGAL INFECTIONS; GATA2 DEFICIENCY; IMMUNODEFICIENCY 21. Identifiers: Orphanet 228423, MedGen C3280030, MONDO:0013607, OMIM 614172.
Deafness-lymphedema-leukemia syndrome. Also called: Lymphedema, primary, with myelodysplasia; Emberger syndrome. Identifiers: Orphanet 3226, MedGen C3279664, MONDO:0013540, OMIM 614038.

gnomAD v4.1: 1 of 1,614,172 alleles (0.000062%); highest among the groups gnomAD compares: Non-Finnish European, 0.000085%; no homozygotes.

Submission:

Labcorp Genetics (formerly Invitae), Labcorp
Classification: Uncertain significance for Monocytopenia with susceptibility to infections; Deafness-lymphedema-leukemia syndrome. Last evaluated: 2022-06-13. Review status: criteria provided, single submitter. Criteria: Invitae Variant Classification Sherloc (09022015). Collection method: clinical testing. Allele origin: germline.
Comment: In summary, the available evidence is currently insufficient to determine the role of this variant in disease. Therefore, it has been classified as a Variant of Uncertain Significance. Advanced modeling of protein sequence and biophysical properties (such as structural, functional, and spatial information, amino acid conservation, physicochemical variation, residue mobility, and thermodynamic stability) performed at Invitae indicates that this missense variant is not expected to disrupt GATA2 protein function. This variant has not been reported in the literature in individuals affected with GATA2-related conditions. This variant is not present in population databases (gnomAD no frequency). This sequence change replaces threonine, which is neutral and polar, with lysine, which is basic and polar, at codon 218 of the GATA2 protein (p.Thr218Lys).